The following is an entry in ClinVar:

NM_017617.5(NOTCH1):c.2914C>T (p.Pro972Ser)

Gene: NOTCH1 (notch receptor 1; minus strand). Cytogenetic location: 9q34.3.
Variant type: single nucleotide variant.
Coding change: c.2914C>T on transcript NM_017617.5 (MANE Select); coding-DNA position 2914, C replaced by T.
Protein change: p.Pro972Ser; replaces proline 972 with serine.
Molecular consequence: missense variant.
Genome position (GRCh38, 1-based): chr9:136,509,788, G>A on the plus strand (C>T on the coding strand, the complement: NOTCH1 is on the minus strand). VCF-style: chr9-136509788-G-A. GRCh37 (hg19) VCF-style: chr9-139404240-G-A.
Other names: short protein forms P972S.
Identifiers: ClinVar variation 1797608 (VCV001797608.3), dbSNP rs1843148792, ClinGen allele CA375553555.

ClinVar aggregate classification (germline): Uncertain significance. Review status: criteria provided, multiple submitters, no conflicts (2 of 4 stars). 2 submissions from 2 submitters: Uncertain significance (2). Last evaluated 2025-10-19.

Conditions:
Adams-Oliver syndrome 5 (AOS5). Identifiers: Orphanet 974, MedGen C4014970, MONDO:0014459, OMIM 616028.
Familial thoracic aortic aneurysm and aortic dissection (TAAD). Also called: Thoracic aortic aneurysms and dissections. Identifiers: Orphanet 91387, MedGen C4707243, MONDO:0019625.

Allele frequency attached by ClinVar (database versions not stated): gnomAD exomes below 0.00001; TOPMed below 0.00001.
gnomAD v4.1: 1 of 1,613,134 alleles (0.000062%); highest among the groups gnomAD compares: Non-Finnish European, 0.000085%; no homozygotes.

Submissions (2):

Labcorp Genetics (formerly Invitae), Labcorp
Classification: Uncertain significance for Adams-Oliver syndrome 5. Last evaluated: 2025-10-19. Review status: criteria provided, single submitter. Criteria: Invitae Variant Classification Sherloc (09022015). Collection method: clinical testing. Allele origin: germline.
Comment: This sequence change replaces proline, which is neutral and non-polar, with serine, which is neutral and polar, at codon 972 of the NOTCH1 protein (p.Pro972Ser). This variant is not present in population databases (gnomAD no frequency). This variant has not been reported in the literature in individuals affected with NOTCH1-related conditions. ClinVar contains an entry for this variant (Variation ID: 1797608). Invitae Evidence Modeling of protein sequence and biophysical properties (such as structural, functional, and spatial information, amino acid conservation, physicochemical variation, residue mobility, and thermodynamic stability) indicates that this missense variant is not expected to disrupt NOTCH1 protein function with a negative predictive value of 80%. In summary, the available evidence is currently insufficient to determine the role of this variant in disease. Therefore, it has been classified as a Variant of Uncertain Significance.

Ambry Genetics
Classification: Uncertain significance for Familial thoracic aortic aneurysm and aortic dissection. Last evaluated: 2022-03-19. Review status: criteria provided, single submitter. Criteria: Ambry Variant Classification Scheme 2023. Collection method: clinical testing. Allele origin: germline.
Comment: The p.P972S variant (also known as c.2914C>T), located in coding exon 18 of the NOTCH1 gene, results from a C to T substitution at nucleotide position 2914. The proline at codon 972 is replaced by serine, an amino acid with similar properties. This amino acid position is conserved. In addition, this alteration is predicted to be tolerated by in silico analysis. Since supporting evidence is limited at this time, the clinical significance of this alteration remains unclear.